The following is an entry in ClinVar:

NM_003742.4(ABCB11):c.2814+1del

Genes: ABCB11 (ATP binding cassette subfamily B member 11; minus strand), LOC126806400 (CDK7 strongly-dependent group 2 enhancer GRCh37_chr2:169791870-169793069; plus strand). Cytogenetic location: 2q31.1.
Variant type: Deletion.
Coding change: c.2814+1del on transcript NM_003742.4 (MANE Select); the canonical splice donor site of the intron after coding-DNA position 2814, one base deleted (G; older notation c.2814+1delG).
Molecular consequence: splice donor variant.
Genome position (GRCh38, 1-based): chr2:168,936,229, C deleted on the plus strand (G on the coding strand, the reverse complement: ABCB11 is on the minus strand); the first of 2 consecutive C bases (chr2:168,936,229-168,936,230); deleting either gives the same sequence. VCF-style (leftmost placement, unchanged base first): chr2-168936228-AC-A. GRCh37 (hg19) VCF-style: chr2-169792738-AC-A.
Identifiers: ClinVar variation 2096146 (VCV002096146.4), dbSNP rs2545270997, ClinGen allele CA2580064396.

ClinVar aggregate classification (germline): Pathogenic (1 of 4 stars; one submission).

Submission:

Labcorp Genetics (formerly Invitae), Labcorp
Classification: Pathogenic. Last evaluated: 2022-02-10. Review status: criteria provided, single submitter. Criteria: Invitae Variant Classification Sherloc (09022015). Collection method: clinical testing. Allele origin: germline.
Comment: This sequence change creates a premature translational stop signal (p.Ile939Leufs*68) in the ABCB11 gene. It is expected to result in an absent or disrupted protein product. Loss-of-function variants in ABCB11 are known to be pathogenic (PMID: 18395098, 20232290). For these reasons, this variant has been classified as Pathogenic. Algorithms developed to predict the effect of sequence changes on RNA splicing suggest that this variant may disrupt the consensus splice site. This variant is also known as c.2814+1del. This variant has not been reported in the literature in individuals affected with ABCB11-related conditions. This variant is not present in population databases (gnomAD no frequency).

Literature cited by the submitters: PubMed 18395098; PubMed 20232290.